The following is an entry in ClinVar:

NM_001844.5(COL2A1):c.388G>C (p.Glu130Gln)

Gene: COL2A1 (collagen type II alpha 1 chain; minus strand). Cytogenetic location: 12q13.11.
Variant type: single nucleotide variant.
Coding change: c.388G>C on transcript NM_001844.5 (MANE Select); coding-DNA position 388, G replaced by C.
Protein change: p.Glu130Gln; replaces glutamic acid 130 with glutamine.
Molecular consequence: missense variant.
Genome position (GRCh38, 1-based): chr12:47,997,912, C>G on the plus strand (G>C on the coding strand, the complement: COL2A1 is on the minus strand). VCF-style: chr12-47997912-C-G. GRCh37 (hg19) VCF-style: chr12-48391695-C-G.
Other names: c.181G>C, p.Glu61Gln (NM_033150.3); short protein forms E130Q, E61Q.
Identifiers: ClinVar variation 1016643 (VCV001016643.12), dbSNP rs375448469, ClinGen allele CA6535953.

ClinVar aggregate classification (germline): Conflicting classifications of pathogenicity. Review status: criteria provided, conflicting classifications (1 of 4 stars). 2 submissions from 2 submitters: Uncertain significance (1); Likely benign (1). Last evaluated 2025-11-19.

Allele frequency attached by ClinVar (database versions not stated): gnomAD exomes below 0.00001; ExAC 0.00001; gnomAD 0.00001; TOPMed 0.00001; ESP Exome Variant Server 0.00008.
gnomAD v4.1: 3 of 1,614,012 alleles (0.00019%); highest among the groups gnomAD compares: Non-Finnish European, 0.00025%; no homozygotes.

Submissions (2):

Labcorp Genetics (formerly Invitae), Labcorp
Classification: Likely benign. Last evaluated: 2025-11-19. Review status: criteria provided, single submitter. Criteria: Invitae Variant Classification Sherloc (09022015). Collection method: clinical testing. Allele origin: germline.

GeneDx
Classification: Uncertain significance. Last evaluated: 2020-06-01. Review status: criteria provided, single submitter. Criteria: GeneDx Variant Classification Process June 2021. Collection method: clinical testing. Allele origin: germline. Affected: yes.
Comment: Has not been previously published as pathogenic or benign to our knowledge; Not observed at a significant frequency in large population cohorts (Lek et al., 2016); In silico analysis, which includes protein predictors and evolutionary conservation, supports that this variant does not alter protein structure/function; Not located in the triple helical region, where the majority of pathogenic missense variants occur (Stenson et al., 2014)